The following is an entry in ClinVar:

NM_001098.3(ACO2):c.267_268delinsAA (p.Leu89_Arg90=)

Gene: ACO2 (aconitase 2; plus strand). Cytogenetic location: 22q13.2.
Variant type: Indel.
Coding change: c.267_268delinsAA on transcript NM_001098.3 (MANE Select); coding-DNA positions 267 to 268, GC replaced by AA.
Protein change: p.Leu89_Arg90=.
Molecular consequence: synonymous variant.
Genome position (GRCh38, 1-based): chr22:41,507,884-41,507,885, GC replaced by AA. VCF-style: chr22-41507884-GC-AA. GRCh37 (hg19) VCF-style: chr22-41903888-GC-AA.
Identifiers: ClinVar variation 2026168 (VCV002026168.4), dbSNP rs2518216763, ClinGen allele CA2580099848.

ClinVar aggregate classification (germline): Uncertain significance (1 of 4 stars; one submission).

Submission:

Labcorp Genetics (formerly Invitae), Labcorp
Classification: Uncertain significance. Last evaluated: 2022-08-22. Review status: criteria provided, single submitter. Criteria: Invitae Variant Classification Sherloc (09022015). Collection method: clinical testing. Allele origin: germline.
Comment: In summary, the available evidence is currently insufficient to determine the role of this variant in disease. Therefore, it has been classified as a Variant of Uncertain Significance. This variant has not been reported in the literature in individuals affected with ACO2-related conditions. Information on the frequency of this variant in the gnomAD database is not available, as this variant may be reported differently in the database. This sequence change affects codon 89 of the ACO2 mRNA. It is a 'silent' change, meaning that it does not change the encoded amino acid sequence of the ACO2 protein.